The following is an entry in ClinVar:

ClinVar aggregate classification (germline): Likely pathogenic (1 of 4 stars; one submission).

Conditions:
Hereditary cancer-predisposing syndrome. Also called: Hereditary Cancer Syndrome; Hereditary neoplastic syndrome; Neoplastic Syndromes, Hereditary; Tumor predisposition. Identifiers: Orphanet 140162, MedGen C0027672, MeSH D009386, MONDO:0015356.

Submission:

Ambry Genetics
Classification: Likely pathogenic for Hereditary cancer-predisposing syndrome. Last evaluated: 2015-11-11. Review status: criteria provided, single submitter. Criteria: Ambry Variant Classification Scheme 2023. Collection method: clinical testing. Allele origin: germline.
Comment: The c.9257-1G>T intronic variant results from a G to T substitution one nucleotide upstream from coding exon 24 of the BRCA2 gene. This variant was not reported in population based cohorts in the following databases: Database of Single Nucleotide Polymorphisms (dbSNP), NHLBI Exome Sequencing Project (ESP), and 1000 Genomes Project. In the ESP, this variant was not observed in 6503 samples (13006 alleles) with coverage at this position. To date, this alteration has been detected with an allele frequency of approximately 0.0004% (greater than 225000 alleles tested) in our clinical cohort. This nucleotide position is highly conserved in available vertebrate species. Using the BDGP and ESEfinder splice site prediction tools, this alteration is predicted to abolish the native splice acceptor site; however, direct evidence is unavailable. Alterations that disrupt the canonical splice acceptor site are typically deleterious in nature (ACMG Recommendations for Standards for Interpretation and Reporting of Sequence Variations. Revision 2007. Genet Med. 2008;10:294). As such, the c.9257-1G>T variant is classified as likely pathogenic.

NM_000059.4(BRCA2):c.9257-1G>T

Gene: BRCA2 (BRCA2 DNA repair associated; plus strand). Cytogenetic location: 13q13.1.
Variant type: single nucleotide variant.
Coding change: c.9257-1G>T on transcript NM_000059.4 (MANE Select); the canonical splice acceptor site of the intron before coding-DNA position 9257, G replaced by T.
Molecular consequence: splice acceptor variant.
Genome position (GRCh38, 1-based): chr13:32,394,688, G>T. VCF-style: chr13-32394688-G-T. GRCh37 (hg19) VCF-style: chr13-32968825-G-T.
Other names: c.9206-1G>T (NM_001406720.1); c.9161-1G>T (NM_001406719.1); c.4325-1G>T (NM_001406721.1); c.2840-1G>T (NM_001406722.1).
Identifiers: ClinVar variation 1766346 (VCV001766346.2), dbSNP rs81002889, ClinGen allele CA387760710.
Genomic context (GRCh38, chr13:32,394,688, plus strand): 5'-GCATCTTAAAATTCATCTAACACATCTATAATAACATTCTTTTCTTTTTTTTCCATTCTA[G>T]GACTTGCCCCTTTCGTCTATTTGTCAGACGAATGTTACAATTTACTGGCAATAAAGTTTT-3'